The following is an entry in ClinVar:

NM_000075.4(CDK4):c.354+3G>C

Gene: CDK4 (cyclin dependent kinase 4; minus strand). Cytogenetic location: 12q14.1.
Variant type: single nucleotide variant.
Coding change: c.354+3G>C on transcript NM_000075.4 (MANE Select); 3 bases into the intron after coding-DNA position 354, G replaced by C.
Molecular consequence: intron variant.
Genome position (GRCh38, 1-based): chr12:57,751,204, C>G on the plus strand (G>C on the coding strand, the complement: CDK4 is on the minus strand). VCF-style: chr12-57751204-C-G. GRCh37 (hg19) VCF-style: chr12-58144987-C-G.
Identifiers: ClinVar variation 483305 (VCV000483305.12), dbSNP rs746395249, ClinGen allele CA6657837.
Genomic context (GRCh38, chr12:57,751,204, plus strand): 5'-ATCCCAGAAGGTTCTACTACAAAGGTCCCAATCCACCTCTCAATGCCTACCAACCCCACT[C>G]ACCTTGATCGTTTCGGCTGGCAAGCCTGGTGGGGGTGCCTTGTCCAGATATGTCCTTAGG-3'

ClinVar aggregate classification (germline): Uncertain significance. Review status: criteria provided, multiple submitters, no conflicts (2 of 4 stars). 2 submissions from 2 submitters: Uncertain significance (2). Last evaluated 2024-12-30.

Conditions:
Familial melanoma. Also called: Hereditary melanoma; Hereditary cutaneous melanoma. Identifiers: Orphanet 618, MedGen C1512419, MONDO:0018961.
Hereditary cancer-predisposing syndrome. Also called: Neoplastic Syndromes, Hereditary; Tumor predisposition; Hereditary Cancer Syndrome; Hereditary neoplastic syndrome. Identifiers: Orphanet 140162, MedGen C0027672, MeSH D009386, MONDO:0015356.

Allele frequency attached by ClinVar (database versions not stated): ExAC 0.00003; gnomAD 0.00003; gnomAD exomes 0.00003 and 0.00004.

Submissions (2):

Ambry Genetics
Classification: Uncertain significance for Hereditary cancer-predisposing syndrome. Last evaluated: 2024-12-30. Review status: criteria provided, single submitter. Criteria: Ambry Variant Classification Scheme 2023. Collection method: clinical testing. Allele origin: germline.
Comment: The c.354+3G>C intronic variant results from a G to C substitution 3 nucleotides after coding exon 2 in the CDK4 gene. This nucleotide position is not well conserved in available vertebrate species. In silico splice site analysis predicts that this alteration will not have any significant effect on splicing. Based on the available evidence, the clinical significance of this variant remains unclear.

Labcorp Genetics (formerly Invitae), Labcorp
Classification: Uncertain significance for Familial melanoma. Last evaluated: 2024-08-21. Review status: criteria provided, single submitter. Criteria: Invitae Variant Classification Sherloc (09022015). Collection method: clinical testing. Allele origin: germline.
Comment: This sequence change falls in intron 3 of the CDK4 gene. It does not directly change the encoded amino acid sequence of the CDK4 protein. It affects a nucleotide within the consensus splice site. This variant is present in population databases (rs746395249, gnomAD 0.02%). This variant has not been reported in the literature in individuals affected with CDK4-related conditions. ClinVar contains an entry for this variant (Variation ID: 483305). Variants that disrupt the consensus splice site are a relatively common cause of aberrant splicing (PMID: 17576681, 9536098). Algorithms developed to predict the effect of sequence changes on RNA splicing suggest that this variant is not likely to affect RNA splicing. In summary, the available evidence is currently insufficient to determine the role of this variant in disease. Therefore, it has been classified as a Variant of Uncertain Significance.

Literature cited by the submitters: PubMed 17576681 (cited by Labcorp Genetics (formerly Invitae), Labcorp); PubMed 9536098 (cited by Labcorp Genetics (formerly Invitae), Labcorp).